The following is an entry in ClinVar:

NM_001040108.2(MLH3):c.4136G>A (p.Arg1379His)

Gene: MLH3 (mutL homolog 3; minus strand). Cytogenetic location: 14q24.3.
Variant type: single nucleotide variant.
Coding change: c.4136G>A on transcript NM_001040108.2 (MANE Select); coding-DNA position 4136, G replaced by A.
Protein change: p.Arg1379His; replaces arginine 1379 with histidine.
Molecular consequence: missense variant.
Genome position (GRCh38, 1-based): chr14:75,018,935, C>T on the plus strand (G>A on the coding strand, the complement: MLH3 is on the minus strand). VCF-style: chr14-75018935-C-T. GRCh37 (hg19) VCF-style: chr14-75485638-C-T.
Other names: c.4064G>A, p.Arg1355His (NM_014381.3); short protein forms R1379H, R1355H.
Identifiers: ClinVar variation 938870 (VCV000938870.11), dbSNP rs199974481, ClinGen allele CA7275213.

ClinVar aggregate classification (germline): Uncertain significance. Review status: criteria provided, multiple submitters, no conflicts (2 of 4 stars). 2 submissions from 2 submitters: Uncertain significance (2). Last evaluated 2025-05-14.

Conditions:
Colorectal cancer, hereditary nonpolyposis, type 7. Identifiers: Orphanet 144, MedGen C1858380, MONDO:0013725, OMIM 614385.

Allele frequency attached by ClinVar (database versions not stated): 1000 Genomes Project 30x 0.00016; 1000 Genomes Project 0.00020; gnomAD 0.00002; ExAC 0.00003; gnomAD exomes 0.00003 and 0.00004; TOPMed 0.00004.

Submissions (2):

Labcorp Genetics (formerly Invitae), Labcorp
Classification: Uncertain significance for Colorectal cancer, hereditary nonpolyposis, type 7. Last evaluated: 2025-05-14. Review status: criteria provided, single submitter. Criteria: Invitae Variant Classification Sherloc (09022015). Collection method: clinical testing. Allele origin: germline.
Comment: This sequence change replaces arginine, which is basic and polar, with histidine, which is basic and polar, at codon 1379 of the MLH3 protein (p.Arg1379His). This variant is present in population databases (rs199974481, gnomAD 0.02%). This missense change has been observed in individual(s) with clinical features of MLH3-related conditions (PMID: 34106356, 36896836). ClinVar contains an entry for this variant (Variation ID: 938870). An algorithm developed to predict the effect of missense changes on protein structure and function outputs the following: PolyPhen-2: "Benign". The histidine amino acid residue is found in multiple mammalian species, which suggests that this missense change does not adversely affect protein function. In summary, the available evidence is currently insufficient to determine the role of this variant in disease. Therefore, it has been classified as a Variant of Uncertain Significance.

Ambry Genetics
Classification: Uncertain significance. Last evaluated: 2025-01-05. Review status: criteria provided, single submitter. Criteria: Ambry Variant Classification Scheme 2023. Collection method: clinical testing. Allele origin: germline.
Comment: The p.R1379H variant (also known as c.4136G>A), located in coding exon 11 of the MLH3 gene, results from a G to A substitution at nucleotide position 4136. The arginine at codon 1379 is replaced by histidine, an amino acid with highly similar properties. This amino acid position is not well conserved in available vertebrate species. In addition, this alteration is predicted to be tolerated by in silico analysis. Since supporting evidence is limited at this time, the clinical significance of this alteration remains unclear.

Literature cited by the submitters: PubMed 34106356 (cited by Labcorp Genetics (formerly Invitae), Labcorp); PubMed 36896836 (cited by Labcorp Genetics (formerly Invitae), Labcorp).